The following is an entry in ClinVar:

ClinVar aggregate classification (germline): Uncertain significance (1 of 4 stars; one submission).

Conditions:
Peroxisome biogenesis disorder 7A (Zellweger). Also called: Peroxisome biogenesis disorder 7A. Identifiers: Orphanet 912, MedGen C3888385, MONDO:0013938, OMIM 614872.
Peroxisome biogenesis disorder 7B (PBD7B). Identifiers: Orphanet 44, MedGen C3553951, MONDO:0013939, OMIM 614873.

Submission:

Labcorp Genetics (formerly Invitae), Labcorp
Classification: Uncertain significance for Peroxisome biogenesis disorder 7A (Zellweger); Peroxisome biogenesis disorder 7B. Last evaluated: 2022-11-08. Review status: criteria provided, single submitter. Criteria: Invitae Variant Classification Sherloc (09022015). Collection method: clinical testing. Allele origin: germline.
Comment: In summary, the available evidence is currently insufficient to determine the role of this variant in disease. Therefore, it has been classified as a Variant of Uncertain Significance. Advanced modeling of protein sequence and biophysical properties (such as structural, functional, and spatial information, amino acid conservation, physicochemical variation, residue mobility, and thermodynamic stability) performed at Invitae indicates that this missense variant is not expected to disrupt PEX26 protein function. This variant has not been reported in the literature in individuals affected with PEX26-related conditions. This variant is not present in population databases (gnomAD no frequency). This sequence change replaces histidine, which is basic and polar, with tyrosine, which is neutral and polar, at codon 200 of the PEX26 protein (p.His200Tyr).

NM_001127649.3(PEX26):c.598C>T (p.His200Tyr)

Gene: PEX26 (peroxisomal biogenesis factor 26; plus strand). Cytogenetic location: 22q11.21.
Variant type: single nucleotide variant.
Coding change: c.598C>T on transcript NM_001127649.3 (MANE Select); coding-DNA position 598, C replaced by T.
Protein change: p.His200Tyr; replaces histidine 200 with tyrosine.
Molecular consequence: missense variant.
Genome position (GRCh38, 1-based): chr22:18,083,663, C>T. VCF-style: chr22-18083663-C-T. GRCh37 (hg19) VCF-style: chr22-18566429-C-T.
Other names: c.598C>T, p.His200Tyr (NM_001199319.2, NM_017929.6); short protein forms H200Y.
Identifiers: ClinVar variation 2093588 (VCV002093588.4), dbSNP rs2517671269, ClinGen allele CA410267993.